The following is an entry in ClinVar:

ClinVar aggregate classification (germline): Uncertain significance (1 of 4 stars; one submission).

Conditions:
Neuropathy, hereditary sensory and autonomic, type 2A (HSAN2A). Also called: ACROOSTEOLYSIS, GIACCAI TYPE; ACROOSTEOLYSIS, NEUROGENIC; MORVAN DISEASE; NEUROPATHY, CONGENITAL SENSORY; NEUROPATHY, HEREDITARY SENSORY RADICULAR, AUTOSOMAL RECESSIVE; NEUROPATHY, HEREDITARY SENSORY, TYPE IIA. Identifiers: Orphanet 970, MedGen C2752089, MONDO:0024309, OMIM 201300.
Pseudohypoaldosteronism type 2C (PHA2C). Also called: Pseudohypoaldosteronism Type IIC. Identifiers: Orphanet 757, Orphanet 88940, MedGen C1840391, MONDO:0013778, OMIM 614492.

Submission:

Labcorp Genetics (formerly Invitae), Labcorp
Classification: Uncertain significance for Neuropathy, hereditary sensory and autonomic, type 2A; Pseudohypoaldosteronism type 2C. Last evaluated: 2024-07-23. Review status: criteria provided, single submitter. Criteria: Invitae Variant Classification Sherloc (09022015). Collection method: clinical testing. Allele origin: germline.
Comment: This sequence change replaces alanine, which is neutral and non-polar, with threonine, which is neutral and polar, at codon 634 of the WNK1 protein (p.Ala634Thr). This variant is not present in population databases (gnomAD no frequency). This missense change has been observed in individual(s) with WNK1-related conditions (PMID: 32790646). Advanced modeling of protein sequence and biophysical properties (such as structural, functional, and spatial information, amino acid conservation, physicochemical variation, residue mobility, and thermodynamic stability) performed at Invitae indicates that this missense variant is not expected to disrupt WNK1 protein function with a negative predictive value of 95%. Experimental studies have shown that this missense change does not substantially affect WNK1 function (PMID: 32790646). In summary, the available evidence is currently insufficient to determine the role of this variant in disease. Therefore, it has been classified as a Variant of Uncertain Significance.

Literature cited by the submitters: PubMed 32790646.

NM_018979.4(WNK1):c.1900G>A (p.Ala634Thr)

Gene: WNK1 (WNK lysine deficient protein kinase 1; plus strand). Cytogenetic location: 12p13.33.
Variant type: single nucleotide variant.
Coding change: c.1900G>A on transcript NM_018979.4 (MANE Select); coding-DNA position 1900, G replaced by A.
Protein change: p.Ala634Thr; replaces alanine 634 with threonine.
Molecular consequence: missense variant.
Genome position (GRCh38, 1-based): chr12:861,292, G>A. VCF-style: chr12-861292-G-A. GRCh37 (hg19) VCF-style: chr12-970458-G-A.
Other names: c.1900G>A, p.Ala634Thr (NM_001184985.2, NM_014823.3, NM_213655.5); short protein forms A634T.
Identifiers: ClinVar variation 3749640 (VCV003749640.2).